The following is an entry in ClinVar:

ClinVar aggregate classification (germline): Uncertain significance (1 of 4 stars; one submission).

Conditions:
Epilepsy, X-linked 1, with variable learning disabilities and behavior disorders. Also called: X-linked epilepsy-learning disabilities-behavior disorders syndrome. Identifiers: Orphanet 85294, MedGen C5774177, MONDO:0010339, OMIM 300491.

Submission:

Labcorp Genetics (formerly Invitae), Labcorp
Classification: Uncertain significance for Epilepsy, X-linked 1, with variable learning disabilities and behavior disorders. Last evaluated: 2022-11-02. Review status: criteria provided, single submitter. Criteria: Invitae Variant Classification Sherloc (09022015). Collection method: clinical testing. Allele origin: germline.
Comment: In summary, the available evidence is currently insufficient to determine the role of this variant in disease. Therefore, it has been classified as a Variant of Uncertain Significance. Algorithms developed to predict the effect of missense changes on protein structure and function are either unavailable or do not agree on the potential impact of this missense change (SIFT: "Deleterious"; PolyPhen-2: "Possibly Damaging"; Align-GVGD: "Class C0"). This variant has not been reported in the literature in individuals affected with SYN1-related conditions. This variant is not present in population databases (gnomAD no frequency). This sequence change replaces serine, which is neutral and polar, with cysteine, which is neutral and slightly polar, at codon 113 of the SYN1 protein (p.Ser113Cys).

NM_006950.3(SYN1):c.338C>G (p.Ser113Cys)

Gene: SYN1 (synapsin I; minus strand). Cytogenetic location: Xp11.23.
Variant type: single nucleotide variant.
Coding change: c.338C>G on transcript NM_006950.3 (MANE Select); coding-DNA position 338, C replaced by G.
Protein change: p.Ser113Cys; replaces serine 113 with cysteine.
Molecular consequence: missense variant.
Genome position (GRCh38, 1-based): chrX:47,619,391, G>C on the plus strand (C>G on the coding strand, the complement: SYN1 is on the minus strand). VCF-style: chrX-47619391-G-C. GRCh37 (hg19) VCF-style: chrX-47478790-G-C.
Other names: c.338C>G, p.Ser113Cys (NM_133499.2); short protein forms S113C.
Identifiers: ClinVar variation 2881495 (VCV002881495.3), dbSNP rs1488258803, ClinGen allele CA412831618.
Genomic context (GRCh38, chrX:47,619,391, plus strand): 5'-ACGTCCGCGGCAGTGGCTTACCAGTCGGTGTGCGGCTCGTCGATGACCAGCAGCACCCTG[G>C]AGGCGGCTCCCCCGCGGCCTGCGCCCCCAGAGCCGCCGCCCACCTGCTCGCTGAAGGTGG-3'
Protein context (NP_008881.2, residues 103-123): SGGAGRGGAA[Ser113Cys]RVLLVIDEPH